The following is an entry in ClinVar:

NM_016151.4(TAOK2):c.2860G>A (p.Gly954Ser)

Gene: TAOK2 (TAO kinase 2; plus strand). Cytogenetic location: 16p11.2.
Variant type: single nucleotide variant.
Coding change: c.2860G>A on transcript NM_016151.4 (MANE Select); coding-DNA position 2860, G replaced by A.
Protein change: p.Gly954Ser; replaces glycine 954 with serine.
Molecular consequence: missense variant. On other transcripts: intron variant (1).
Genome position (GRCh38, 1-based): chr16:29,987,132, G>A. VCF-style: chr16-29987132-G-A. GRCh37 (hg19) VCF-style: chr16-29998453-G-A.
Other names: c.2521G>A, p.Gly841Ser (NM_001252043.2); c.2232+628G>A (NM_004783.4); short protein forms G841S, G954S.
Identifiers: ClinVar variation 1393064 (VCV001393064.8), dbSNP rs374422460, ClinGen allele CA7998459.
Genomic context (GRCh38, chr16:29,987,132, plus strand): 5'-CACCTGAGGCCCTGCCCTGCCAGCCAGCTCCCTGGACTCCTGTCCCATGGCCTCCTGGCC[G>A]GCCTCTCCTTTGCAGTGGGGTCCTCCTCTGGCCTCCTGCCCCTCCTGCTGCTGCTGCTGC-3'
Protein context (NP_057235.2, residues 944-964): PGLLSHGLLA[Gly954Ser]LSFAVGSSSG

ClinVar aggregate classification (germline): Uncertain significance (1 of 4 stars; one submission).

Allele frequency attached by ClinVar (database versions not stated): gnomAD exomes 0.00001 and 0.00004; ExAC 0.00002; TOPMed 0.00002; gnomAD 0.00003; ESP Exome Variant Server 0.00008.
gnomAD v4.1: 66 of 1,595,954 alleles (0.0041%); highest among the groups gnomAD compares: Non-Finnish European, 0.0049%; no homozygotes.

Submission:

Labcorp Genetics (formerly Invitae), Labcorp
Classification: Uncertain significance. Last evaluated: 2025-07-02. Review status: criteria provided, single submitter. Criteria: Invitae Variant Classification Sherloc (09022015). Collection method: clinical testing. Allele origin: germline.
Comment: This sequence change replaces glycine, which is neutral and non-polar, with serine, which is neutral and polar, at codon 954 of the TAOK2 protein (p.Gly954Ser). This variant is present in population databases (rs374422460, gnomAD 0.004%). This variant has not been reported in the literature in individuals affected with TAOK2-related conditions. ClinVar contains an entry for this variant (Variation ID: 1393064). An algorithm developed to predict the effect of missense changes on protein structure and function (PolyPhen-2) suggests that this variant is likely to be tolerated. In summary, the available evidence is currently insufficient to determine the role of this variant in disease. Therefore, it has been classified as a Variant of Uncertain Significance.